The following is an entry in ClinVar:

ClinVar aggregate classification (germline): Pathogenic. Review status: criteria provided, multiple submitters, no conflicts (2 of 4 stars). 6 submissions from 6 submitters: Pathogenic (4). 2 of the submissions do not count toward it. Last evaluated 2026-01-26.

Conditions:
Renal coloboma syndrome (PAPRS). Also called: PAPILLORENAL SYNDROME WITH MILD OCULAR ABNORMALITIES; CONGENITAL ANOMALIES OF THE KIDNEY AND URINARY TRACT WITH OR WITHOUT OCULAR ABNORMALITIES; CAKUT WITH OR WITHOUT OCULAR ABNORMALITIES; PAPILLORENAL SYNDROME; OPTIC COLOBOMA, VESICOURETERAL REFLUX, AND RENAL ANOMALIES; OPTIC NERVE COLOBOMA WITH RENAL DISEASE. Identifiers: Orphanet 1475, MedGen C1852759, MONDO:0007352, OMIM 120330.
Focal segmental glomerulosclerosis 7 (FSGS7). Identifiers: Orphanet 656, MedGen C4014925, MONDO:0014451, OMIM 616002.

Submissions (6):

GeneDx
Classification: Pathogenic. Last evaluated: 2026-01-26. Review status: criteria provided, single submitter. Criteria: GeneDx Variant Classification Process June 2021. Collection method: clinical testing. Allele origin: germline.
Comment: Nonsense variant predicted to result in protein truncation or nonsense mediated decay in a gene for which loss of function is a known mechanism of disease; Not observed at significant frequency in large population cohorts (gnomAD); This variant is associated with the following publications: (PMID: 32203253, 33532864, 36549658, 35444690, 31060108, Kim2023[Preprint], 22213154, 38219857, 14566649, 24429398, 34031707)

Labcorp Genetics (formerly Invitae), Labcorp
Classification: Pathogenic for Renal coloboma syndrome; Focal segmental glomerulosclerosis 7. Last evaluated: 2024-08-28. Review status: criteria provided, single submitter. Criteria: Invitae Variant Classification Sherloc (09022015). Collection method: clinical testing. Allele origin: germline.
Comment: This sequence change creates a premature translational stop signal (p.Arg115*) in the PAX2 gene. It is expected to result in an absent or disrupted protein product. Loss-of-function variants in PAX2 are known to be pathogenic (PMID: 11461952, 24676634, 35444690). This variant is not present in population databases (gnomAD no frequency). This premature translational stop signal has been observed in individual(s) with clinical features of papillorenal syndrome (PMID: 24429398, 32203253, 34031707, 35444690). ClinVar contains an entry for this variant (Variation ID: 974490). For these reasons, this variant has been classified as Pathogenic.

Fulgent Genetics
Classification: Pathogenic for Renal coloboma syndrome; Focal segmental glomerulosclerosis 7. Last evaluated: 2021-07-09. Review status: criteria provided, single submitter. Criteria: ACMG Guidelines, 2015. Collection method: clinical testing. Allele origin: unknown.

Molecular Biology Laboratory, Fundació Puigvert
Classification: Pathogenic for Renal coloboma syndrome. Last evaluated: 2020-02-01. Review status: criteria provided, single submitter. Criteria: ACMG Guidelines, 2015. Collection method: research. Allele origin: germline. Affected: yes. Study: KidneyPanel_2020.

Genome Diagnostics Laboratory, University Medical Center Utrecht
Classification: Pathogenic. Review status: no assertion criteria provided. Collection method: clinical testing. Allele origin: germline. Affected: yes. Study: VKGL Data-share Consensus. Not counted in ClinVar's aggregate classification.

Joint Genome Diagnostic Labs from Nijmegen and Maastricht, Radboudumc and MUMC+
Classification: Pathogenic. Review status: no assertion criteria provided. Collection method: clinical testing. Allele origin: germline. Affected: yes. Study: VKGL Data-share Consensus. Not counted in ClinVar's aggregate classification.

Literature cited by the submitters: PubMed 11461952 (cited by Labcorp Genetics (formerly Invitae), Labcorp); PubMed 24676634 (cited by Labcorp Genetics (formerly Invitae), Labcorp); PubMed 35444690 (cited by Labcorp Genetics (formerly Invitae), Labcorp); PubMed 24429398 (cited by Labcorp Genetics (formerly Invitae), Labcorp); PubMed 32203253 (cited by Labcorp Genetics (formerly Invitae), Labcorp); PubMed 34031707 (cited by Labcorp Genetics (formerly Invitae), Labcorp); PubMed 33532864 (cited by Molecular Biology Laboratory, Fundació Puigvert).

NM_000278.5(PAX2):c.343C>T (p.Arg115Ter)

Gene: PAX2 (paired box 2; plus strand). Cytogenetic location: 10q24.31.
Variant type: single nucleotide variant.
Coding change: c.343C>T on transcript NM_000278.5 (MANE Select); coding-DNA position 343, C replaced by T.
Protein change: p.Arg115Ter; replaces arginine 115 with a stop codon.
Molecular consequence: nonsense.
Genome position (GRCh38, 1-based): chr10:100,750,824, C>T. VCF-style: chr10-100750824-C-T. GRCh37 (hg19) VCF-style: chr10-102510581-C-T.
Other names: c.343C>T (NM_003987.4, NM_003990.3); c.436C>T, p.Arg146Ter (NM_001304569.2); c.343C>T, p.Arg115Ter (NM_003987.5, NM_003988.5, NM_003989.5 and 1 more transcripts); short protein forms R115*, R146*.
Identifiers: ClinVar variation 974490 (VCV000974490.9), dbSNP rs1845412705, ClinGen allele CA378258078.